The following is an entry in ClinVar:

NM_001374623.1(PNPLA1):c.627C>T (p.His209=)

Gene: PNPLA1 (patatin like domain 1, omega-hydroxyceramide transacylase; plus strand). Cytogenetic location: 6p21.31.
Variant type: single nucleotide variant.
Coding change: c.627C>T on transcript NM_001374623.1 (MANE Select); coding-DNA position 627, C replaced by T.
Protein change: p.His209=; no amino-acid change (histidine 209 retained).
Molecular consequence: synonymous variant.
Genome position (GRCh38, 1-based): chr6:36,294,312, C>T. VCF-style: chr6-36294312-C-T. GRCh37 (hg19) VCF-style: chr6-36262089-C-T.
Other names: c.627C>T, p.His209= (NM_001145717.1); c.369C>T, p.His123= (NM_001145716.2); c.342C>T, p.His114= (NM_173676.2).
Identifiers: ClinVar variation 356559 (VCV000356559.14), dbSNP rs187453727, ClinGen allele CA3777786.

ClinVar aggregate classification (germline): Benign/Likely benign. Review status: criteria provided, multiple submitters, no conflicts (2 of 4 stars). 3 submissions from 3 submitters: Benign (1); Likely benign (2). Last evaluated 2026-01-31.

Conditions:
Autosomal recessive congenital ichthyosis 10 (ARCI10). Identifiers: Orphanet 79394, MedGen C3554355, MONDO:0014011, OMIM 615024.

Allele frequency attached by ClinVar (database versions not stated): gnomAD 0.00026 and 0.00034; TOPMed 0.00062; ExAC 0.00069; gnomAD exomes 0.00079; 1000 Genomes Project 30x 0.00125; 1000 Genomes Project 0.00140.
gnomAD v4.1: 603 of 1,614,224 alleles (0.037%); highest among the groups gnomAD compares: East Asian, 1.3%; 2 homozygotes.

Submissions (3):

Labcorp Genetics (formerly Invitae), Labcorp
Classification: Benign. Last evaluated: 2026-01-31. Review status: criteria provided, single submitter. Criteria: Invitae Variant Classification Sherloc (09022015). Collection method: clinical testing. Allele origin: germline.

Illumina Laboratory Services, Illumina
Classification: Likely benign for Autosomal recessive congenital ichthyosis 10. Last evaluated: 2018-01-13. Review status: criteria provided, single submitter. Criteria: ICSL Variant Classification Criteria 13 December 2019. Collection method: clinical testing. Allele origin: germline.
Comment: This variant was observed in the ICSL laboratory as part of a predisposition screen in an ostensibly healthy population. It had not been previously curated by ICSL or reported in the Human Gene Mutation Database (HGMD: prior to June 1st, 2018), and was therefore a candidate for classification through an automated scoring system. Utilizing variant allele frequency, disease prevalence and penetrance estimates, and inheritance mode, an automated score was calculated to assess if this variant is too frequent to cause the disease. Based on the score and internal cut-off values, a variant classified as likely benign is not then subjected to further curation. The score for this variant resulted in a classification of likely benign for this disease.

Breakthrough Genomics
Classification: Likely benign. Review status: criteria provided, single submitter. Criteria: ACMG Guidelines, 2015. Collection method: not provided. Allele origin: germline. Inheritance: Autosomal recessive inheritance. Affected: yes.